The following is an entry in ClinVar:

NM_002485.5(NBN):c.2205AGA[1] (p.Glu737del)

Gene: NBN (nibrin; minus strand). Cytogenetic location: 8q21.3.
Variant type: Microsatellite.
Coding change: c.2205AGA[1] on transcript NM_002485.5 (MANE Select); one copy of the 3-base unit AGA starting at c.2205; the reference has two copies in a row; one copy, 3 bases deleted.
Protein change: p.Glu737del; deletes glutamic acid 737.
Molecular consequence: inframe deletion.
Genome position (GRCh38, 1-based): chr8:89,937,050-89,937,052, TCT deleted on the plus strand (AGA on the coding strand, the reverse complement: NBN is on the minus strand); deleting any 3 consecutive bases within chr8:89,937,050-89,937,056 gives the same sequence; the position shown is the placement nearest the transcript's 3' end. VCF-style (leftmost placement, unchanged base first): chr8-89937049-CTCT-C. GRCh37 (hg19) VCF-style: chr8-90949277-CTCT-C.
Other names: c.2208_2210delAGA (NM_002485.4); c.1959AGA[1], p.Glu655del (NM_001024688.3); short protein forms E737del, E655del.
Identifiers: ClinVar variation 550990 (VCV000550990.16), dbSNP rs1554554251, ClinGen allele CA658822447.

ClinVar aggregate classification (germline): Uncertain significance. Review status: criteria provided, multiple submitters, no conflicts (2 of 4 stars). 4 submissions from 4 submitters: Uncertain significance (2). 2 of the submissions do not count toward it. Last evaluated 2023-06-09.

Conditions:
Hereditary cancer-predisposing syndrome. Also called: Hereditary Cancer Syndrome; Hereditary neoplastic syndrome; Neoplastic Syndromes, Hereditary; Tumor predisposition. Identifiers: Orphanet 140162, MedGen C0027672, MeSH D009386, MONDO:0015356.
Microcephaly, normal intelligence and immunodeficiency (NBS). Also called: Ataxia telangiectasia variant V1; IMMUNODEFICIENCY, MICROCEPHALY, AND CHROMOSOMAL INSTABILITY; SEEMANOVA SYNDROME II; Nijmegen breakage syndrome; Microcephaly with normal intelligence immunodeficiency and lymphoreticular malignancies; Nonsyndromal microcephaly autosomal recessive with normal intelligence. Identifiers: Orphanet 647, MedGen C0398791, MONDO:0009623, OMIM 251260.

Submissions (4):

Ambry Genetics
Classification: Uncertain significance for Hereditary cancer-predisposing syndrome. Last evaluated: 2023-06-09. Review status: criteria provided, single submitter. Criteria: Ambry Variant Classification Scheme 2023. Collection method: clinical testing. Allele origin: germline.
Comment: The c.2208_2210delAGA variant (also known as p.E737del) is located in coding exon 15 of the NBN gene. This variant results from an in-frame AGA deletion at nucleotide positions 2208 to 2210. This results in the in-frame deletion of a glutamic acid at codon 737. This amino acid position is well conserved in available vertebrate species. In addition, this alteration is predicted to be deleterious by in silico analysis (Choi Y et al. PLoS ONE. 2012; 7(10):e46688). Since supporting evidence is limited at this time, the clinical significance of this alteration remains unclear.

Labcorp Genetics (formerly Invitae), Labcorp
Classification: Uncertain significance for Microcephaly, normal intelligence and immunodeficiency. Last evaluated: 2022-04-05. Review status: criteria provided, single submitter. Criteria: Invitae Variant Classification Sherloc (09022015). Collection method: clinical testing. Allele origin: germline.
Comment: This variant, c.2208_2210del, results in the deletion of 1 amino acid(s) of the NBN protein (p.Glu737del), but otherwise preserves the integrity of the reading frame. This variant is not present in population databases (gnomAD no frequency). This variant has not been reported in the literature in individuals affected with NBN-related conditions. ClinVar contains an entry for this variant (Variation ID: 550990). Experimental studies and prediction algorithms are not available or were not evaluated, and the functional significance of this variant is currently unknown. Algorithms developed to predict the effect of sequence changes on RNA splicing suggest that this variant may disrupt the consensus splice site. In summary, the available evidence is currently insufficient to determine the role of this variant in disease. Therefore, it has been classified as a Variant of Uncertain Significance.

Natera, Inc.
Classification: Uncertain significance for Nijmegen breakage syndrome. Last evaluated: 2020-09-16. Review status: no assertion criteria provided. Collection method: clinical testing. Allele origin: germline. Not counted in ClinVar's aggregate classification.

Counsyl
Classification: Uncertain significance for Microcephaly, normal intelligence and immunodeficiency. Last evaluated: 2017-03-22. Review status: no assertion criteria provided. Collection method: clinical testing. Allele origin: unknown. Not counted in ClinVar's aggregate classification.